The following is an entry in ClinVar:

NM_000051.4(ATM):c.785T>A (p.Leu262Ter)

Gene: ATM (ATM serine/threonine kinase; plus strand). Cytogenetic location: 11q22.3.
Variant type: single nucleotide variant.
Coding change: c.785T>A on transcript NM_000051.4 (MANE Select); coding-DNA position 785, T replaced by A.
Protein change: p.Leu262Ter; replaces leucine 262 with a stop codon.
Molecular consequence: nonsense.
Genome position (GRCh38, 1-based): chr11:108,244,910, T>A. VCF-style: chr11-108244910-T-A. GRCh37 (hg19) VCF-style: chr11-108115637-T-A.
Other names: c.785T>A, p.Leu262Ter (NM_001351834.2); short protein forms L262*.
Identifiers: ClinVar variation 219578 (VCV000219578.16), dbSNP rs864622163, ClinGen allele CA350365.

ClinVar aggregate classification (germline): Pathogenic/Likely pathogenic. Review status: criteria provided, multiple submitters, no conflicts (2 of 4 stars). 6 submissions from 6 submitters: Pathogenic (4); Likely pathogenic (1). 1 of the submissions does not count toward it. Last evaluated 2025-09-10.

Conditions:
Hereditary cancer-predisposing syndrome. Also called: Tumor predisposition; Hereditary Cancer Syndrome; Neoplastic Syndromes, Hereditary; Hereditary neoplastic syndrome. Identifiers: Orphanet 140162, MedGen C0027672, MeSH D009386, MONDO:0015356.
Familial cancer of breast. Also called: Hereditary breast cancer; BREAST CANCER, FAMILIAL; hereditary breast carcinoma. Identifiers: Orphanet 227535, MedGen C0346153, MONDO:0016419, OMIM 114480. Disease mechanism: loss of function.
Ataxia-telangiectasia syndrome (AT). Also called: Cerebello-oculocutaneous telangiectasia; Immunodeficiency with ataxia telangiectasia; Ataxia telangiectasia (A-T); LOUIS-BAR SYNDROME; ATAXIA-TELANGIECTASIA, COMPLEMENTATION GROUP A; ATAXIA-TELANGIECTASIA, FRESNO VARIANT. Identifiers: Orphanet 100, MedGen C0004135, MONDO:0008840, OMIM 208900.

gnomAD v4.1: 1 of 1,613,754 alleles (0.000062%); highest among the groups gnomAD compares: South Asian, 0.0011%; no homozygotes.

Submissions (6):

Labcorp Genetics (formerly Invitae), Labcorp
Classification: Pathogenic for Ataxia-telangiectasia syndrome. Last evaluated: 2025-09-10. Review status: criteria provided, single submitter. Criteria: Invitae Variant Classification Sherloc (09022015). Collection method: clinical testing. Allele origin: germline.
Comment: This sequence change creates a premature translational stop signal (p.Leu262*) in the ATM gene. It is expected to result in an absent or disrupted protein product. Loss-of-function variants in ATM are known to be pathogenic (PMID: 23807571, 25614872). This variant is not present in population databases (gnomAD no frequency). This variant has not been reported in the literature in individuals affected with ATM-related conditions. ClinVar contains an entry for this variant (Variation ID: 219578). For these reasons, this variant has been classified as Pathogenic.

Ambry Genetics
Classification: Pathogenic for Hereditary cancer-predisposing syndrome. Last evaluated: 2024-10-16. Review status: criteria provided, single submitter. Criteria: Ambry Variant Classification Scheme 2023. Collection method: clinical testing. Allele origin: germline.
Comment: The p.L262* pathogenic mutation (also known as c.785T>A), located in coding exon 6 of the ATM gene, results from a T to A substitution at nucleotide position 785. This changes the amino acid from a leucine to a stop codon within coding exon 6. This variant has been reported as a pathogenic mutation in an individual with a personal history of breast and endometrial cancer from a cohort of 1191 cancer index patients who underwent clinical evaluation and testing with multigene panels (Chan GHJ et al. Oncotarget, 2018 Jul;9:30649-30660). This variant is considered to be rare based on population cohorts in the Genome Aggregation Database (gnomAD). This alteration is expected to result in loss of function by premature protein truncation or nonsense-mediated mRNA decay. As such, this alteration is interpreted as a disease-causing mutation.

Myriad Genetics, Inc.
Classification: Pathogenic for Familial cancer of breast. Last evaluated: 2024-01-11. Review status: criteria provided, single submitter. Criteria: Myriad Autosomal Dominant, Autosomal Recessive and X-Linked Classification Criteria (2023). Collection method: clinical testing. Allele origin: unknown.
Comment: This variant is considered pathogenic. This variant creates a termination codon and is predicted to result in premature protein truncation.

Baylor Genetics
Classification: Pathogenic for Familial cancer of breast. Last evaluated: 2023-12-22. Review status: criteria provided, single submitter. Criteria: ACMG Guidelines, 2015. Collection method: clinical testing. Allele origin: unknown.

Revvity Omics, Revvity
Classification: Likely pathogenic for Ataxia-telangiectasia syndrome. Last evaluated: 2021-12-22. Review status: criteria provided, single submitter. Criteria: ACMG Guidelines, 2015. Collection method: clinical testing. Allele origin: germline.

Counsyl
Classification: Likely pathogenic for Ataxia-telangiectasia syndrome. Last evaluated: 2017-08-10. Review status: no assertion criteria provided. Collection method: clinical testing. Allele origin: unknown. Not counted in ClinVar's aggregate classification.

Literature cited by the submitters: PubMed 23807571 (cited by Labcorp Genetics (formerly Invitae), Labcorp); PubMed 25614872 (cited by Labcorp Genetics (formerly Invitae), Labcorp); PubMed 30093976 (cited by Ambry Genetics).